The following is an entry in ClinVar:

NM_002471.4(MYH6):c.5183AGA[3] (p.Lys1731del)

Gene: MYH6 (myosin heavy chain 6; minus strand). Cytogenetic location: 14q11.2.
Variant type: Microsatellite.
Coding change: c.5183AGA[3] on transcript NM_002471.4 (MANE Select); three copies in a row of the 3-base unit AGA starting at c.5183; the reference has four copies in a row; one copy, 3 bases deleted.
Protein change: p.Lys1731del; deletes lysine 1731.
Molecular consequence: inframe deletion.
Genome position (GRCh38, 1-based): chr14:23,385,011-23,385,013, TCT deleted on the plus strand (AGA on the coding strand, the reverse complement: MYH6 is on the minus strand); deleting any 3 consecutive bases within chr14:23,385,011-23,385,022 gives the same sequence; the position shown is the placement nearest the transcript's 3' end. VCF-style (leftmost placement, unchanged base first): chr14-23385010-ATCT-A. GRCh37 (hg19) VCF-style: chr14-23854219-ATCT-A.
Other names: c.5192_5194delAGA (NM_002471.3); short protein forms K1731del.
Identifiers: ClinVar variation 264294 (VCV000264294.7), dbSNP rs886039114, ClinGen allele CA10587759.

ClinVar aggregate classification (germline): Uncertain significance. Review status: criteria provided, multiple submitters, no conflicts (2 of 4 stars). 2 submissions from 2 submitters: Uncertain significance (2). Last evaluated 2025-01-06.

Conditions:
Cardiovascular phenotype. Identifiers: MedGen CN230736.

Submissions (2):

Ambry Genetics
Classification: Uncertain significance for Cardiovascular phenotype. Last evaluated: 2025-01-06. Review status: criteria provided, single submitter. Criteria: Ambry Variant Classification Scheme 2023. Collection method: clinical testing. Allele origin: germline.
Comment: The c.5192_5194delAGA variant (also known as p.K1731del) is located in coding exon 33 of the MYH6 gene. This variant results from an in-frame AGA deletion at nucleotide positions 5192 to 5194. This results in the deletion of a lysine residue at codon 1731. This amino acid position is highly conserved in available vertebrate species. In addition, this alteration is predicted to be deleterious by in silico analysis (Choi Y et al. PLoS ONE. 2012; 7(10):e46688). Based on the available evidence, the clinical significance of this variant remains unclear.

ARUP Laboratories, Molecular Genetics and Genomics, ARUP Laboratories
Classification: Uncertain significance. Last evaluated: 2024-04-16. Review status: criteria provided, single submitter. Criteria: ARUP Molecular Germline Variant Investigation Process 2024. Collection method: clinical testing. Allele origin: germline.
Comment: The MYH6 c.5192_5194del; p.Lys1731del variant (rs886039114), to our knowledge, is not reported in the medical literature but is reported in ClinVar (Variation ID: 264294). This variant is only observed on two alleles in the Genome Aggregation Database (v2.1.1), indicating it is not a common polymorphism. This variant deletes a single lysine residue leaving the rest of the protein in-frame. Due to limited information, the clinical significance of this variant is uncertain at this time.